The following is an entry in ClinVar:

ClinVar aggregate classification (germline): Uncertain significance. Review status: criteria provided, multiple submitters, no conflicts (2 of 4 stars). 2 submissions from 2 submitters: Uncertain significance (2). Last evaluated 2021-08-31.

Allele frequency attached by ClinVar (database versions not stated): gnomAD 0.00001; gnomAD exomes 0.00001; TOPMed 0.00002.
gnomAD v4.1: 21 of 1,602,206 alleles (0.0013%); highest among the groups gnomAD compares: Non-Finnish European, 0.0017%; no homozygotes.

Submissions (2):

Labcorp Genetics (formerly Invitae), Labcorp
Classification: Uncertain significance. Last evaluated: 2021-08-31. Review status: criteria provided, single submitter. Criteria: Invitae Variant Classification Sherloc (09022015). Collection method: clinical testing. Allele origin: germline.
Comment: This sequence change replaces threonine with isoleucine at codon 574 of the SAMD11 protein (p.Thr574Ile). The threonine residue is highly conserved and there is a moderate physicochemical difference between threonine and isoleucine. This variant is not present in population databases (ExAC no frequency). This variant has not been reported in the literature in individuals affected with SAMD11-related conditions. Algorithms developed to predict the effect of missense changes on protein structure and function are either unavailable or do not agree on the potential impact of this missense change (SIFT: "Deleterious"; PolyPhen-2: "Possibly Damaging"; Align-GVGD: "Class C0"). In summary, the available evidence is currently insufficient to determine the role of this variant in disease. Therefore, it has been classified as a Variant of Uncertain Significance.

Ambry Genetics
Classification: Uncertain significance. Last evaluated: 2021-08-02. Review status: criteria provided, single submitter. Criteria: Ambry Variant Classification Scheme 2023. Collection method: clinical testing. Allele origin: germline.

NM_001385641.1(SAMD11):c.2210C>T (p.Thr737Ile)

Gene: SAMD11 (sterile alpha motif domain containing 11; plus strand). Cytogenetic location: 1p36.33.
Variant type: single nucleotide variant.
Coding change: c.2210C>T on transcript NM_001385641.1 (MANE Select); coding-DNA position 2210, C replaced by T.
Protein change: p.Thr737Ile; replaces threonine 737 with isoleucine.
Molecular consequence: missense variant.
Genome position (GRCh38, 1-based): chr1:943,729, C>T. VCF-style: chr1-943729-C-T. GRCh37 (hg19) VCF-style: chr1-879109-C-T.
Other names: c.2213C>T, p.Thr738Ile (NM_001385640.1); c.1721C>T, p.Thr574Ile (NM_152486.4); c.1721C>T (NM_152486.2); short protein forms T574I, T737I, T738I.
Identifiers: ClinVar variation 1015683 (VCV001015683.8), dbSNP rs1166626263, ClinGen allele CA337816675.